The following is an entry in ClinVar:

NM_000204.5(CFI):c.146A>T (p.Gln49Leu)

Gene: CFI (complement factor I; minus strand). Cytogenetic location: 4q25.
Variant type: single nucleotide variant.
Coding change: c.146A>T on transcript NM_000204.5 (MANE Select); coding-DNA position 146, A replaced by T.
Protein change: p.Gln49Leu; replaces glutamine 49 with leucine.
Molecular consequence: missense variant. On other transcripts: non-coding transcript variant (3), intron variant (1).
Genome position (GRCh38, 1-based): chr4:109,766,736, T>A on the plus strand (A>T on the coding strand, the complement: CFI is on the minus strand). VCF-style: chr4-109766736-T-A. GRCh37 (hg19) VCF-style: chr4-110687892-T-A.
Other names: c.146A>T, p.Gln49Leu (NM_001318057.2, NM_001331035.2, NM_001375278.1 and 5 more transcripts); c.-127-5044A>T (NM_001375284.1); short protein forms Q49L.
Identifiers: ClinVar variation 1345420 (VCV001345420.6), dbSNP rs992417026, ClinGen allele CA103698326.

ClinVar aggregate classification (germline): Uncertain significance (1 of 4 stars; one submission).

Submission:

Labcorp Genetics (formerly Invitae), Labcorp
Classification: Uncertain significance. Last evaluated: 2021-09-11. Review status: criteria provided, single submitter. Criteria: Invitae Variant Classification Sherloc (09022015). Collection method: clinical testing. Allele origin: germline.
Comment: In summary, the available evidence is currently insufficient to determine the role of this variant in disease. Therefore, it has been classified as a Variant of Uncertain Significance. Advanced modeling of protein sequence and biophysical properties (such as structural, functional, and spatial information, amino acid conservation, physicochemical variation, residue mobility, and thermodynamic stability) performed at Invitae indicates that this missense variant is not expected to disrupt CFI protein function. This variant has not been reported in the literature in individuals affected with CFI-related conditions. This variant is not present in population databases (ExAC no frequency). This sequence change replaces glutamine with leucine at codon 49 of the CFI protein (p.Gln49Leu). The glutamine residue is weakly conserved and there is a moderate physicochemical difference between glutamine and leucine.